The following is an entry in ClinVar:

NM_139057.4(ADAMTS17):c.2194G>A (p.Gly732Arg)

Gene: ADAMTS17 (ADAM metallopeptidase with thrombospondin type 1 motif 17; minus strand). Cytogenetic location: 15q26.3.
Variant type: single nucleotide variant.
Coding change: c.2194G>A on transcript NM_139057.4 (MANE Select); coding-DNA position 2194, G replaced by A.
Protein change: p.Gly732Arg; replaces glycine 732 with arginine.
Molecular consequence: missense variant.
Genome position (GRCh38, 1-based): chr15:100,053,998, C>T on the plus strand (G>A on the coding strand, the complement: ADAMTS17 is on the minus strand). VCF-style: chr15-100053998-C-T. GRCh37 (hg19) VCF-style: chr15-100594203-C-T.
Other names: short protein forms G732R.
Identifiers: ClinVar variation 1356844 (VCV001356844.6), dbSNP rs962745047, ClinGen allele CA275475914.
Genomic context (GRCh38, chr15:100,053,998, plus strand): 5'-TCTTCTCCCACAGCCCCCTTCTCACATAGCGAACAGTTGTGCCTGCAATCTGGAACTCTC[C>T]GGGGAGCTCTATCTTCCAGTCACTGTTGATGGACCCCTTACCCGAGTCTTTGAGAGCTAG-3'
Protein context (NP_620688.2, residues 722-742): INSDWKIELP[Gly732Arg]EFQIAGTTVR

ClinVar aggregate classification (germline): Uncertain significance (1 of 4 stars; one submission).

Allele frequency attached by ClinVar (database versions not stated): gnomAD 0.00001; TOPMed 0.00001.
gnomAD v4.1: 12 of 1,614,028 alleles (0.00074%); highest among the groups gnomAD compares: African/African-American, 0.004%; no homozygotes.

Submission:

Labcorp Genetics (formerly Invitae), Labcorp
Classification: Uncertain significance. Last evaluated: 2023-07-07. Review status: criteria provided, single submitter. Criteria: Invitae Variant Classification Sherloc (09022015). Collection method: clinical testing. Allele origin: germline.
Comment: In summary, the available evidence is currently insufficient to determine the role of this variant in disease. Therefore, it has been classified as a Variant of Uncertain Significance. This sequence change replaces glycine with arginine at codon 732 of the ADAMTS17 protein (p.Gly732Arg). The glycine residue is highly conserved and there is a moderate physicochemical difference between glycine and arginine. This variant is present in population databases (no rsID available, gnomAD 0.007%). This variant has not been reported in the literature in individuals affected with ADAMTS17-related conditions. ClinVar contains an entry for this variant (Variation ID: 1356844). An algorithm developed to predict the effect of missense changes on protein structure and function (PolyPhen-2) suggests that this variant is likely to be disruptive. Algorithms developed to predict the effect of sequence changes on RNA splicing suggest that this variant may disrupt the consensus splice site.